The following is an entry in ClinVar:

ClinVar aggregate classification (germline): Uncertain significance (1 of 4 stars; one submission).

Conditions:
Hereditary cancer-predisposing syndrome. Also called: Neoplastic Syndromes, Hereditary; Tumor predisposition; Hereditary Cancer Syndrome; Hereditary neoplastic syndrome. Identifiers: Orphanet 140162, MedGen C0027672, MeSH D009386, MONDO:0015356.

gnomAD v4.1: 2 of 1,614,230 alleles (0.00012%); highest among the groups gnomAD compares: Non-Finnish European, 0.00017%; no homozygotes.

Submission:

Ambry Genetics
Classification: Uncertain significance for Hereditary cancer-predisposing syndrome. Last evaluated: 2026-05-18. Review status: criteria provided, single submitter. Criteria: Ambry Variant Classification Scheme 2023. Collection method: clinical testing. Allele origin: germline.
Comment: The p.N864H variant (also known as c.2590A>C), located in coding exon 15 of the ALK gene, results from an A to C substitution at nucleotide position 2590. The asparagine at codon 864 is replaced by histidine, an amino acid with similar properties. This amino acid position is not well conserved in available vertebrate species. In addition, this alteration is predicted to be tolerated by in silico analysis. Based on the available evidence, the clinical significance of this variant remains unclear.

NM_004304.5(ALK):c.2590A>C (p.Asn864His)

Gene: ALK (ALK receptor tyrosine kinase; minus strand). Cytogenetic location: 2p23.2.
Variant type: single nucleotide variant.
Coding change: c.2590A>C on transcript NM_004304.5 (MANE Select); coding-DNA position 2590, A replaced by C.
Protein change: p.Asn864His; replaces asparagine 864 with histidine.
Molecular consequence: missense variant.
Genome position (GRCh38, 1-based): chr2:29,232,346, T>G on the plus strand (A>C on the coding strand, the complement: ALK is on the minus strand). VCF-style: chr2-29232346-T-G. GRCh37 (hg19) VCF-style: chr2-29455212-T-G.
Other names: short protein forms N864H.
Identifiers: ClinVar variation 4870265 (VCV004870265.1).